The following is an entry in ClinVar:

NM_130384.3(ATRIP):c.910A>G (p.Arg304Gly)

Genes: ATRIP (ATR interacting protein; plus strand), ATRIP-TREX1 (ATRIP-TREX1 readthrough; plus strand). Cytogenetic location: 3p21.31.
Variant type: single nucleotide variant.
Coding change: c.910A>G on transcript NM_130384.3 (MANE Select); coding-DNA position 910, A replaced by G.
Protein change: p.Arg304Gly; replaces arginine 304 with glycine.
Molecular consequence: missense variant. On other transcripts: non-coding transcript variant (1).
Genome position (GRCh38, 1-based): chr3:48,459,439, A>G. VCF-style: chr3-48459439-A-G. GRCh37 (hg19) VCF-style: chr3-48500838-A-G.
Other names: c.529A>G, p.Arg177Gly (NM_001271022.2); c.631A>G, p.Arg211Gly (NM_001271023.2); c.910A>G, p.Arg304Gly (NM_032166.4); short protein forms R177G, R211G, R304G.
Identifiers: ClinVar variation 3976873 (VCV003976873.1).
Genomic context (GRCh38, chr3:48,459,439, plus strand): 5'-AGAGGTGACTCCATAAAACAAGAAGAGGCCCAGAAAAGCTTTGTTGACAGCTGGAGACAG[A>G]GATCAAACACTCAAGGTACCAGAATCCCTGCTTCTCCTGCAGGGGCCTGCATGGCTCTGA-3'
Protein context (NP_569055.1, residues 294-314): QKSFVDSWRQ[Arg304Gly]SNTQGSILIN

ClinVar aggregate classification (germline): Uncertain significance (1 of 4 stars; one submission).

Submission:

Ambry Genetics
Classification: Uncertain significance. Last evaluated: 2025-05-27. Review status: criteria provided, single submitter. Criteria: Ambry Variant Classification Scheme 2023. Collection method: clinical testing. Allele origin: germline.
Comment: The p.R304G variant (also known as c.910A>G), located in coding exon 6 of the ATRIP gene, results from an A to G substitution at nucleotide position 910. The arginine at codon 304 is replaced by glycine, an amino acid with dissimilar properties. This amino acid position is conserved. In addition, this alteration is predicted to be tolerated by in silico analysis. Based on the available evidence, the clinical significance of this variant remains unclear.